The following is an entry in ClinVar:

NM_001365088.1(SLC12A6):c.1577C>T (p.Thr526Ile)

Gene: SLC12A6 (solute carrier family 12 member 6; minus strand). Cytogenetic location: 15q14.
Variant type: single nucleotide variant.
Coding change: c.1577C>T on transcript NM_001365088.1 (MANE Select); coding-DNA position 1577, C replaced by T.
Protein change: p.Thr526Ile; replaces threonine 526 with isoleucine.
Molecular consequence: missense variant.
Genome position (GRCh38, 1-based): chr15:34,250,645, G>A on the plus strand (C>T on the coding strand, the complement: SLC12A6 is on the minus strand). VCF-style: chr15-34250645-G-A. GRCh37 (hg19) VCF-style: chr15-34542846-G-A.
Other names: c.1400C>T, p.Thr467Ile (NM_001042494.2, NM_001042495.2); c.1550C>T, p.Thr517Ile (NM_001042496.2); c.1532C>T, p.Thr511Ile (NM_001042497.2); c.1424C>T, p.Thr475Ile (NM_005135.2); c.1577C>T, p.Thr526Ile (NM_133647.2); short protein forms T467I, T511I, T475I, T526I, T517I.
Identifiers: ClinVar variation 2773158 (VCV002773158.3), dbSNP rs2509802346, ClinGen allele CA391605536.

ClinVar aggregate classification (germline): Uncertain significance (1 of 4 stars; one submission).

Allele frequency attached by ClinVar (database versions not stated): gnomAD exomes below 0.00001.
gnomAD v4.1: 1 of 1,573,586 alleles (0.000064%); highest among the groups gnomAD compares: Non-Finnish European, 0.000087%; no homozygotes.

Submission:

Labcorp Genetics (formerly Invitae), Labcorp
Classification: Uncertain significance. Last evaluated: 2023-11-01. Review status: criteria provided, single submitter. Criteria: Invitae Variant Classification Sherloc (09022015). Collection method: clinical testing. Allele origin: germline.
Comment: This sequence change replaces threonine, which is neutral and polar, with isoleucine, which is neutral and non-polar, at codon 526 of the SLC12A6 protein (p.Thr526Ile). This variant is not present in population databases (gnomAD no frequency). This variant has not been reported in the literature in individuals affected with SLC12A6-related conditions. Advanced modeling of protein sequence and biophysical properties (such as structural, functional, and spatial information, amino acid conservation, physicochemical variation, residue mobility, and thermodynamic stability) performed at Invitae indicates that this missense variant is not expected to disrupt SLC12A6 protein function with a negative predictive value of 80%. In summary, the available evidence is currently insufficient to determine the role of this variant in disease. Therefore, it has been classified as a Variant of Uncertain Significance.